The following is an entry in ClinVar:

NM_201384.3(PLEC):c.11031C>T (p.Leu3677=)

Gene: PLEC (plectin; minus strand). Cytogenetic location: 8q24.3.
Variant type: single nucleotide variant.
Coding change: c.11031C>T on transcript NM_201384.3 (MANE Select); coding-DNA position 11031, C replaced by T.
Protein change: p.Leu3677=; no amino-acid change (leucine 3677 retained).
Molecular consequence: synonymous variant.
Genome position (GRCh38, 1-based): chr8:143,918,790, G>A on the plus strand (C>T on the coding strand, the complement: PLEC is on the minus strand). VCF-style: chr8-143918790-G-A. GRCh37 (hg19) VCF-style: chr8-144992958-G-A.
Other names: c.11112C>T, p.Leu3704= (NM_000445.5); c.10989C>T, p.Leu3663= (NM_201378.4); c.10965C>T, p.Leu3655= (NM_201379.3); c.11442C>T, p.Leu3814= (NM_201380.4); c.10935C>T, p.Leu3645= (NM_201381.3); c.11031C>T, p.Leu3677= (NM_201382.4); c.11043C>T, p.Leu3681= (NM_201383.3).
Identifiers: ClinVar variation 390143 (VCV000390143.20), dbSNP rs376779580, ClinGen allele CA4924455.

ClinVar aggregate classification (germline): Conflicting classifications of pathogenicity. Review status: criteria provided, conflicting classifications (1 of 4 stars). 4 submissions from 4 submitters: Uncertain significance (1); Likely benign (3). Last evaluated 2026-09-03.

Conditions:
PLEC-related disorder. Also called: PLEC-related disorders; PLEC-related condition.
Autosomal recessive limb-girdle muscular dystrophy type 2Q (LGMDR17). Also called: MUSCULAR DYSTROPHY, LIMB-GIRDLE, AUTOSOMAL RECESSIVE 17. Identifiers: Orphanet 254361, MedGen C3150989, MONDO:0013390, OMIM 613723.
Epidermolysis bullosa simplex 5B, with muscular dystrophy (EBS5B). Also called: EPIDERMOLYSIS BULLOSA SIMPLEX AND LIMB-GIRDLE MUSCULAR DYSTROPHY; Epidermolysis bullosa simplex with muscular dystrophy. Identifiers: Orphanet 257, MedGen C2931072, MONDO:0009181, OMIM 226670.
Epidermolysis bullosa simplex with nail dystrophy (EBS5D). Identifiers: MedGen C4225309, MONDO:0014661, OMIM 616487.
Epidermolysis bullosa simplex, Ogna type (EBS5A). Also called: Pidermolysis bullosa simplex 5A, Ogna type; EPIDERMOLYSIS BULLOSA SIMPLEX 5A, OGNA TYPE. Identifiers: Orphanet 79401, MedGen C0432317, MONDO:0007555, OMIM 131950.
Epidermolysis bullosa simplex 5C, with pyloric atresia (EBS5C). Also called: PLEC1-Related Epidermolysis Bullosa with Pyloric Atresia; PLEC-Related Epidermolysis Bullosa with Pyloric Atresia; Epidermolysis bullosa simplex with pyloric atresia. Identifiers: Orphanet 158684, MedGen C2677349, MONDO:0012807, OMIM 612138.

Allele frequency attached by ClinVar (database versions not stated): ExAC 0.00003; gnomAD exomes 0.00005; gnomAD 0.00019 and 0.00020; 1000 Genomes Project 0.00020; TOPMed 0.00023; ESP Exome Variant Server 0.00025; 1000 Genomes Project 30x 0.00031.
gnomAD v4.1: 69 of 1,613,134 alleles (0.0043%); highest among the groups gnomAD compares: African/African-American, 0.051%; no homozygotes.

Submissions (4):

PreventionGenetics, part of Exact Sciences
Classification: Likely benign for PLEC-related condition. Last evaluated: 2026-09-03. Review status: criteria provided, single submitter. Criteria: ACMG Guidelines, 2015. Collection method: clinical testing. Allele origin: germline.
Comment: This variant is classified as likely benign based on ACMG/AMP sequence variant interpretation guidelines (Richards et al. 2015 PMID: 25741868, with internal and published modifications).

Labcorp Genetics (formerly Invitae), Labcorp
Classification: Likely benign for Autosomal recessive limb-girdle muscular dystrophy type 2Q; Epidermolysis bullosa simplex, Ogna type; Epidermolysis bullosa simplex with nail dystrophy; Epidermolysis bullosa simplex 5C, with pyloric atresia; Epidermolysis bullosa simplex 5B, with muscular dystrophy. Last evaluated: 2025-12-08. Review status: criteria provided, single submitter. Criteria: Invitae Variant Classification Sherloc (09022015). Collection method: clinical testing. Allele origin: germline.

GeneDx
Classification: Likely benign. Last evaluated: 2020-11-12. Review status: criteria provided, single submitter. Criteria: GeneDx Variant Classification Process June 2021. Collection method: clinical testing. Allele origin: germline. Affected: yes.

Eurofins Ntd Llc (ga)
Classification: Uncertain significance. Last evaluated: 2018-08-23. Review status: criteria provided, single submitter. Criteria: EGL ClinVar v180209 classification definitions. Collection method: clinical testing. Allele origin: germline. Observed: 3 variant alleles, 3 heterozygotes.